The following is an entry in ClinVar:

ClinVar aggregate classification (germline): Uncertain significance (1 of 4 stars; one submission).

Submission:

GeneDx
Classification: Uncertain significance. Last evaluated: 2023-11-03. Review status: criteria provided, single submitter. Criteria: GeneDx Variant Classification Process June 2021. Collection method: clinical testing. Allele origin: germline. Affected: yes.
Comment: Not observed at significant frequency in large population cohorts (gnomAD); In silico analysis supports that this missense variant has a deleterious effect on protein structure/function; Has not been previously published as pathogenic or benign to our knowledge

NM_080552.3(SLC32A1):c.1388T>G (p.Leu463Arg)

Gene: SLC32A1 (solute carrier family 32 member 1; plus strand). Cytogenetic location: 20q11.23.
Variant type: single nucleotide variant.
Coding change: c.1388T>G on transcript NM_080552.3 (MANE Select); coding-DNA position 1388, T replaced by G.
Protein change: p.Leu463Arg; replaces leucine 463 with arginine.
Molecular consequence: missense variant.
Genome position (GRCh38, 1-based): chr20:38,728,449, T>G. VCF-style: chr20-38728449-T-G. GRCh37 (hg19) VCF-style: chr20-37357092-T-G.
Other names: short protein forms L463R.
Identifiers: ClinVar variation 3363678 (VCV003363678.1).